The following is an entry in ClinVar:

NC_000016.10:g.88310588_88321525del

Variant type: Deletion.
Identifiers: ClinVar variation 974044 (VCV000974044.1).

ClinVar aggregate classification (germline): Pathogenic (0 of 4 stars; one submission).

Conditions:
Fanconi anemia complementation group A (FANCA). Also called: Fanconi anemia, group A; FANCA-Related Fanconi Anemia. Identifiers: Orphanet 84, MedGen C3469521, MONDO:0009215, OMIM 227650.

Submission:

Leiden Open Variation Database
Classification: Pathogenic for Fanconi anemia complementation group A. Last evaluated: 2020-02-28. Review status: no assertion criteria provided. Collection method: curation. Allele origin: germline. Affected: yes.
Comment: Curator: Arleen D. Auerbach. Submitter to LOVD: Arleen D. Auerbach.

Literature cited by the submitters: PubMed 25168418.